The following is an entry in ClinVar:

ClinVar aggregate classification (germline): Uncertain significance. Review status: criteria provided, multiple submitters, no conflicts (2 of 4 stars). 2 submissions from 2 submitters: Uncertain significance (2). Last evaluated 2025-04-08.

Conditions:
Fanconi anemia (FA). Also called: Fanconi's anemia. Identifiers: Orphanet 84, MedGen C0015625, MeSH D005199, MONDO:0019391.

Allele frequency attached by ClinVar (database versions not stated): TOPMed 0.00003; gnomAD 0.00012.
gnomAD v4.1: 125 of 1,614,158 alleles (0.0077%); highest among the groups gnomAD compares: African/African-American, 0.0093%; no homozygotes.

Submissions (2):

Labcorp Genetics (formerly Invitae), Labcorp
Classification: Uncertain significance for Fanconi anemia. Last evaluated: 2025-04-08. Review status: criteria provided, single submitter. Criteria: Invitae Variant Classification Sherloc (09022015). Collection method: clinical testing. Allele origin: germline.
Comment: This sequence change replaces glycine, which is neutral and non-polar, with serine, which is neutral and polar, at codon 874 of the SLX4 protein (p.Gly874Ser). This variant is present in population databases (rs113420526, gnomAD 0.1%). This variant has not been reported in the literature in individuals affected with SLX4-related conditions. ClinVar contains an entry for this variant (Variation ID: 1002975). An algorithm developed to predict the effect of missense changes on protein structure and function (PolyPhen-2) suggests that this variant is likely to be tolerated. In summary, the available evidence is currently insufficient to determine the role of this variant in disease. Therefore, it has been classified as a Variant of Uncertain Significance.

Institute for Clinical Genetics, University Hospital TU Dresden, University Hospital TU Dresden
Classification: Uncertain significance. Last evaluated: 2021-11-03. Review status: criteria provided, single submitter. Criteria: ACMG Guidelines, 2015. Collection method: clinical testing. Allele origin: germline.

NM_032444.4(SLX4):c.2620G>A (p.Gly874Ser)

Gene: SLX4 (SLX4 structure-specific endonuclease subunit; minus strand). Cytogenetic location: 16p13.3.
Variant type: single nucleotide variant.
Coding change: c.2620G>A on transcript NM_032444.4 (MANE Select); coding-DNA position 2620, G replaced by A.
Protein change: p.Gly874Ser; replaces glycine 874 with serine.
Molecular consequence: missense variant.
Genome position (GRCh38, 1-based): chr16:3,591,018, C>T on the plus strand (G>A on the coding strand, the complement: SLX4 is on the minus strand). VCF-style: chr16-3591018-C-T. GRCh37 (hg19) VCF-style: chr16-3641019-C-T.
Other names: short protein forms G874S.
Identifiers: ClinVar variation 1002975 (VCV001002975.7), dbSNP rs113420526, ClinGen allele CA7866117.